The following is an entry in ClinVar:

NM_021222.3(PRUNE1):c.1322C>G (p.Ser441Ter)

Gene: PRUNE1 (prune exopolyphosphatase 1; plus strand). Cytogenetic location: 1q21.3.
Variant type: single nucleotide variant.
Coding change: c.1322C>G on transcript NM_021222.3 (MANE Select); coding-DNA position 1322, C replaced by G.
Protein change: p.Ser441Ter; replaces serine 441 with a stop codon.
Molecular consequence: nonsense. On other transcripts: non-coding transcript variant (4).
Genome position (GRCh38, 1-based): chr1:151,034,194, C>G. VCF-style: chr1-151034194-C-G. GRCh37 (hg19) VCF-style: chr1-151006670-C-G.
Other names: c.776C>G, p.Ser259Ter (NM_001303229.2); c.1163C>G, p.Ser388Ter (NM_001303242.2); c.719C>G, p.Ser240Ter (NM_001303243.2); short protein forms S240*, S259*, S441*, S388*.
Identifiers: ClinVar variation 2128528 (VCV002128528.4), dbSNP rs1675425376, ClinGen allele CA341911893.

ClinVar aggregate classification (germline): Uncertain significance (1 of 4 stars; one submission).

gnomAD v4.1: 1 of 1,613,850 alleles (0.000062%); highest among the groups gnomAD compares: Non-Finnish European, 0.000085%; no homozygotes.

Submission:

Labcorp Genetics (formerly Invitae), Labcorp
Classification: Uncertain significance. Last evaluated: 2023-08-17. Review status: criteria provided, single submitter. Criteria: Invitae Variant Classification Sherloc (09022015). Collection method: clinical testing. Allele origin: germline.
Comment: This variant has not been reported in the literature in individuals affected with PRUNE1-related conditions. This variant is not present in population databases (gnomAD no frequency). This sequence change creates a premature translational stop signal (p.Ser441*) in the PRUNE1 gene. While this is not anticipated to result in nonsense mediated decay, it is expected to disrupt the last 13 amino acid(s) of the PRUNE1 protein. ClinVar contains an entry for this variant (Variation ID: 2128528). Experimental studies and prediction algorithms are not available or were not evaluated, and the functional significance of this variant is currently unknown. In summary, the available evidence is currently insufficient to determine the role of this variant in disease. Therefore, it has been classified as a Variant of Uncertain Significance.